The following is an entry in ClinVar:

ClinVar aggregate classification (germline): Pathogenic/Likely pathogenic. Review status: criteria provided, multiple submitters, no conflicts (2 of 4 stars). 9 submissions from 9 submitters: Pathogenic (5); Likely pathogenic (1). 3 of the submissions do not count toward it. Last evaluated 2025-12-29.

Conditions:
Schimke immuno-osseous dysplasia (SIOD). Also called: Schimke Immunoosseous Dysplasia. Identifiers: Orphanet 1830, MedGen C0877024, MONDO:0009458, OMIM 242900.
SMARCAL1-related disorder. Also called: SMARCAL1-related condition.

Allele frequency attached by ClinVar (database versions not stated): ExAC 0.00002; gnomAD exomes 0.00004 and 0.00008; TOPMed 0.00005; gnomAD 0.00009.

Submissions (9):

Center for Genomic Medicine, Rigshospitalet, Copenhagen University Hospital
Classification: Pathogenic. Last evaluated: 2025-12-29. Review status: criteria provided, single submitter. Criteria: ACMG Guidelines, 2015. Collection method: clinical testing. Allele origin: germline.
Comment: Classification criteria: PVS1, PS3, PM3

Labcorp Genetics (formerly Invitae), Labcorp
Classification: Pathogenic for Schimke immuno-osseous dysplasia. Last evaluated: 2025-01-06. Review status: criteria provided, single submitter. Criteria: Invitae Variant Classification Sherloc (09022015). Collection method: clinical testing. Allele origin: germline.
Comment: This sequence change falls in intron 12 of the SMARCAL1 gene. It does not directly change the encoded amino acid sequence of the SMARCAL1 protein. RNA analysis indicates that this variant induces altered splicing and likely results in a shortened protein product. This variant is present in population databases (rs762716070, gnomAD 0.01%). This variant has been observed in individuals with clinical features of Schimke immuno-osseous dysplasia (PMID: 25943327, 27577878, 30784191). It has also been observed to segregate with disease in related individuals. This variant is also known as c.2070+2insT and c.2070+2_3insT. ClinVar contains an entry for this variant (Variation ID: 1073210). Variants that disrupt the consensus splice site are a relatively common cause of aberrant splicing (PMID: 17576681, 9536098). Studies have shown that this variant results in skipping of exon 12, but is expected to preserve the integrity of the reading-frame (PMID: 27577878). For these reasons, this variant has been classified as Pathogenic.

Blueprint Genetics
Classification: Pathogenic for SMARCAL1-related disorders. Last evaluated: 2024-11-25. Review status: criteria provided, single submitter. Criteria: ACMG Guidelines, 2015. Collection method: clinical testing. Allele origin: germline. Affected: yes. Observed: 5 variant alleles.

Fulgent Genetics
Classification: Pathogenic for Schimke immuno-osseous dysplasia. Last evaluated: 2024-04-19. Review status: criteria provided, single submitter. Criteria: ACMG Guidelines, 2015. Collection method: clinical testing. Allele origin: germline.

GeneDx
Classification: Pathogenic. Last evaluated: 2023-04-14. Review status: criteria provided, single submitter. Criteria: GeneDx Variant Classification Process June 2021. Collection method: clinical testing. Allele origin: germline. Affected: yes.
Comment: Published functional studies demonstrate a damaging effect, including skipping of exon 12 (Carroll et al., 2015); Intronic +5 splice site variant in a gene for which loss of function is a known mechanism of disease, and both splice predictors and evolutionary conservation support a deleterious effect; This variant is associated with the following publications: (PMID: 25943327, 27577878, 30784191)

Revvity Omics, Revvity
Classification: Likely pathogenic for Schimke immuno-osseous dysplasia. Last evaluated: 2020-06-12. Review status: criteria provided, single submitter. Criteria: ACMG Guidelines, 2015. Collection method: clinical testing. Allele origin: germline.

Natera, Inc.
Classification: Pathogenic for Schimke immuno-osseous dysplasia. Last evaluated: 2020-07-13. Review status: no assertion criteria provided. Collection method: clinical testing. Allele origin: germline. Not counted in ClinVar's aggregate classification.

Clinical Genetics DNA and cytogenetics Diagnostics Lab, Erasmus MC, Erasmus Medical Center
Classification: Likely pathogenic. Review status: no assertion criteria provided. Collection method: clinical testing. Allele origin: germline. Affected: yes. Study: VKGL Data-share Consensus. Not counted in ClinVar's aggregate classification.

Genome Diagnostics Laboratory, Amsterdam University Medical Center
Classification: Pathogenic. Review status: no assertion criteria provided. Collection method: clinical testing. Allele origin: germline. Affected: yes. Study: VKGL Data-share Consensus. Not counted in ClinVar's aggregate classification.

Literature cited by the submitters: PubMed 25943327 (cited by Center for Genomic Medicine, Rigshospitalet, Copenhagen University Hospital and Labcorp Genetics (formerly Invitae), Labcorp); PubMed 20301550 (cited by Center for Genomic Medicine, Rigshospitalet, Copenhagen University Hospital); PubMed 27577878 (cited by Center for Genomic Medicine, Rigshospitalet, Copenhagen University Hospital and Labcorp Genetics (formerly Invitae), Labcorp); PubMed 40996338 (cited by Center for Genomic Medicine, Rigshospitalet, Copenhagen University Hospital); PubMed 41066719 (cited by Center for Genomic Medicine, Rigshospitalet, Copenhagen University Hospital); PubMed 32371905 (cited by Center for Genomic Medicine, Rigshospitalet, Copenhagen University Hospital); PubMed 30784191 (cited by Labcorp Genetics (formerly Invitae), Labcorp); PubMed 17576681 (cited by Labcorp Genetics (formerly Invitae), Labcorp); PubMed 9536098 (cited by Labcorp Genetics (formerly Invitae), Labcorp).

NM_014140.4(SMARCAL1):c.2070+2dup

Gene: SMARCAL1 (SNF2 related chromatin remodeling annealing helicase 1; plus strand). Cytogenetic location: 2q35.
Variant type: Duplication.
Coding change: c.2070+2dup on transcript NM_014140.4 (MANE Select); the canonical splice donor site of the intron after coding-DNA position 2070, one base duplicated (T; older notation c.2070+2dupT).
Molecular consequence: splice donor variant.
Genome position (GRCh38, 1-based): chr2:216,451,066, T duplicated. VCF-style (leftmost placement, unchanged base first): chr2-216451065-G-GT. GRCh37 (hg19) VCF-style: chr2-217315788-G-GT.
Other names: c.2070+2dup (NM_001127207.2).
Identifiers: ClinVar variation 1073210 (VCV001073210.19), dbSNP rs762716070, ClinGen allele CA2098080.